The following is an entry in ClinVar:

NM_001367823.1(ARHGEF18):c.3248G>A (p.Arg1083His)

Gene: ARHGEF18 (Rho/Rac guanine nucleotide exchange factor 18; plus strand). Cytogenetic location: 19p13.2.
Variant type: single nucleotide variant.
Coding change: c.3248G>A on transcript NM_001367823.1 (MANE Select); coding-DNA position 3248, G replaced by A.
Protein change: p.Arg1083His; replaces arginine 1083 with histidine.
Molecular consequence: missense variant.
Genome position (GRCh38, 1-based): chr19:7,467,452, G>A. VCF-style: chr19-7467452-G-A. GRCh37 (hg19) VCF-style: chr19-7532338-G-A.
Other names: c.2522G>A, p.Arg841His (NM_001130955.2); c.2210G>A, p.Arg737His (NM_001367824.1, NM_015318.4); short protein forms R737H, R1083H, R841H.
Identifiers: ClinVar variation 1986924 (VCV001986924.4), dbSNP rs1158904862, ClinGen allele CA403088507.

ClinVar aggregate classification (germline): Uncertain significance (1 of 4 stars; one submission).

Allele frequency attached by ClinVar (database versions not stated): gnomAD 0.00001; gnomAD exomes 0.00001; TOPMed 0.00001.
gnomAD v4.1: 15 of 1,514,258 alleles (0.00099%); highest among the groups gnomAD compares: African/African-American, 0.0014%; no homozygotes.

Submission:

Labcorp Genetics (formerly Invitae), Labcorp
Classification: Uncertain significance. Last evaluated: 2022-05-12. Review status: criteria provided, single submitter. Criteria: Invitae Variant Classification Sherloc (09022015). Collection method: clinical testing. Allele origin: germline.
Comment: This sequence change replaces arginine, which is basic and polar, with histidine, which is basic and polar, at codon 895 of the ARHGEF18 protein (p.Arg895His). This variant is not present in population databases (gnomAD no frequency). This variant has not been reported in the literature in individuals affected with ARHGEF18-related conditions. Algorithms developed to predict the effect of missense changes on protein structure and function output the following: SIFT: "Tolerated"; PolyPhen-2: "Benign"; Align-GVGD: "Class C0". The histidine amino acid residue is found in multiple mammalian species, which suggests that this missense change does not adversely affect protein function. In summary, the available evidence is currently insufficient to determine the role of this variant in disease. Therefore, it has been classified as a Variant of Uncertain Significance.